The following is an entry in ClinVar:

NM_000059.4(BRCA2):c.1777G>A (p.Ala593Thr)

Gene: BRCA2 (BRCA2 DNA repair associated; plus strand). Cytogenetic location: 13q13.1.
Variant type: single nucleotide variant.
Coding change: c.1777G>A on transcript NM_000059.4 (MANE Select); coding-DNA position 1777, G replaced by A.
Protein change: p.Ala593Thr; replaces alanine 593 with threonine.
Molecular consequence: missense variant.
Genome position (GRCh38, 1-based): chr13:32,333,255, G>A. VCF-style: chr13-32333255-G-A. GRCh37 (hg19) VCF-style: chr13-32907392-G-A.
Other names: short protein forms A593T.
Identifiers: ClinVar variation 944871 (VCV000944871.11), dbSNP rs431825286, ClinGen allele CA387765674.

ClinVar aggregate classification (germline): Conflicting classifications of pathogenicity. Review status: criteria provided, conflicting classifications (1 of 4 stars). 2 submissions from 2 submitters: Uncertain significance (1); Likely benign (1). Last evaluated 2023-03-23.

Conditions:
Hereditary cancer-predisposing syndrome. Also called: Neoplastic Syndromes, Hereditary; Hereditary Cancer Syndrome; Tumor predisposition; Hereditary neoplastic syndrome. Identifiers: Orphanet 140162, MedGen C0027672, MeSH D009386, MONDO:0015356.
Hereditary breast ovarian cancer syndrome. Also called: Hereditary breast and ovarian cancer syndrome (HBOC); Hereditary breast and ovarian cancer; Breast and ovarian cancer; BRCA1- and BRCA2-Associated Hereditary Breast and Ovarian Cancer; Hereditary breast and ovarian cancer syndrome; Hereditary breast and/or ovarian cancer syndrome. Identifiers: Orphanet 145, MedGen C0677776, MeSH D061325, MONDO:0003582. Disease mechanism: loss of function.

Submissions (2):

University of Washington Department of Laboratory Medicine, University of Washington
Classification: Likely benign for Hereditary cancer-predisposing syndrome. Last evaluated: 2023-03-23. Review status: criteria provided, single submitter. Criteria: Dines et al. (Genet Med. 2020). Collection method: curation. Allele origin: germline.
Comment: Missense variant in a coldspot region where missense variants are very unlikely to be pathogenic (PMID:31911673).

BRCA2 exon 10 coldspot. Reclassification based on statistical prior probability.

Labcorp Genetics (formerly Invitae), Labcorp
Classification: Uncertain significance for Hereditary breast ovarian cancer syndrome. Last evaluated: 2019-05-07. Review status: criteria provided, single submitter. Criteria: Invitae Variant Classification Sherloc (09022015). Collection method: clinical testing. Allele origin: germline.
Comment: In summary, the available evidence is currently insufficient to determine the role of this variant in disease. Therefore, it has been classified as a Variant of Uncertain Significance. Algorithms developed to predict the effect of missense changes on protein structure and function output the following: SIFT: "Tolerated"; PolyPhen-2: "Benign"; Align-GVGD: "Class C0". The threonine amino acid residue is found in multiple mammalian species, suggesting that this missense change does not adversely affect protein function. These predictions have not been confirmed by published functional studies and their clinical significance is uncertain. This variant has not been reported in the literature in individuals with BRCA2-related conditions. This variant is not present in population databases (ExAC no frequency). This sequence change replaces alanine with threonine at codon 593 of the BRCA2 protein (p.Ala593Thr). The alanine residue is weakly conserved and there is a small physicochemical difference between alanine and threonine.